The following is an entry in ClinVar:

ClinVar aggregate classification (germline): Conflicting classifications of pathogenicity. Review status: criteria provided, conflicting classifications (1 of 4 stars). 2 submissions from 2 submitters: Uncertain significance (1); Likely benign (1). Last evaluated 2023-09-21.

Conditions:
Long QT syndrome (LQTS). Identifiers: MedGen C0023976, MeSH D008133, MONDO:0002442. Disease mechanism: loss of function. Inheritance: Various modes of inheritance.

Allele frequency attached by ClinVar (database versions not stated): TOPMed 0.00002; gnomAD 0.00004; ExAC 0.00006.

Submissions (2):

Labcorp Genetics (formerly Invitae), Labcorp
Classification: Uncertain significance for Long QT syndrome. Last evaluated: 2023-09-21. Review status: criteria provided, single submitter. Criteria: Invitae Variant Classification Sherloc (09022015). Collection method: clinical testing. Allele origin: germline.
Comment: In summary, the available evidence is currently insufficient to determine the role of this variant in disease. Therefore, it has been classified as a Variant of Uncertain Significance. Algorithms developed to predict the effect of sequence changes on RNA splicing suggest that this variant may disrupt the consensus splice site. An algorithm developed to predict the effect of missense changes on protein structure and function (PolyPhen-2) suggests that this variant is likely to be disruptive. This variant has not been reported in the literature in individuals affected with AKAP9-related conditions. This variant is present in population databases (rs776199737, gnomAD 0.03%). This sequence change replaces arginine, which is basic and polar, with histidine, which is basic and polar, at codon 1132 of the AKAP9 protein (p.Arg1132His).

Blueprint Genetics
Classification: Likely benign. Last evaluated: 2023-09-20. Review status: criteria provided, single submitter. Criteria: ACMG Guidelines, 2015. Collection method: clinical testing. Allele origin: germline.

NM_005751.5(AKAP9):c.3395G>A (p.Arg1132His)

Gene: AKAP9 (A-kinase anchoring protein 9; plus strand). Cytogenetic location: 7q21.2.
Variant type: single nucleotide variant.
Coding change: c.3395G>A on transcript NM_005751.5 (MANE Select); coding-DNA position 3395, G replaced by A.
Protein change: p.Arg1132His; replaces arginine 1132 with histidine.
Molecular consequence: missense variant.
Genome position (GRCh38, 1-based): chr7:92,012,505, G>A. VCF-style: chr7-92012505-G-A. GRCh37 (hg19) VCF-style: chr7-91641819-G-A.
Other names: c.3395G>A, p.Arg1132His (NM_147185.3); short protein forms R1132H.
Identifiers: ClinVar variation 2771635 (VCV002771635.4), dbSNP rs776199737, ClinGen allele CA4336297.